The following is an entry in ClinVar:

ClinVar aggregate classification (germline): Uncertain significance (1 of 4 stars; one submission).

Submission:

Labcorp Genetics (formerly Invitae), Labcorp
Classification: Uncertain significance. Last evaluated: 2025-10-08. Review status: criteria provided, single submitter. Criteria: Invitae Variant Classification Sherloc (09022015). Collection method: clinical testing. Allele origin: germline.
Comment: This sequence change replaces proline, which is neutral and non-polar, with alanine, which is neutral and non-polar, at codon 721 of the IL12RB2 protein (p.Pro721Ala). This variant is not present in population databases (gnomAD no frequency). This variant has not been reported in the literature in individuals affected with IL12RB2-related conditions. An algorithm developed to predict the effect of missense changes on protein structure and function (PolyPhen-2) suggests that this variant is likely to be tolerated. In summary, the available evidence is currently insufficient to determine the role of this variant in disease. Therefore, it has been classified as a Variant of Uncertain Significance.

NM_001374259.2(IL12RB2):c.2161C>G (p.Pro721Ala)

Gene: IL12RB2 (interleukin 12 receptor subunit beta 2; plus strand). Cytogenetic location: 1p31.3.
Variant type: single nucleotide variant.
Coding change: c.2161C>G on transcript NM_001374259.2 (MANE Select); coding-DNA position 2161, C replaced by G.
Protein change: p.Pro721Ala; replaces proline 721 with alanine.
Molecular consequence: missense variant. On other transcripts: 3 prime UTR variant (3), non-coding transcript variant (2).
Genome position (GRCh38, 1-based): chr1:67,395,661, C>G. VCF-style: chr1-67395661-C-G. GRCh37 (hg19) VCF-style: chr1-67861344-C-G.
Other names: c.*81C>G (NM_001258214.1, NM_001319233.1); c.1903C>G, p.Pro635Ala (NM_001258215.1); c.*62C>G (NM_001258216.1); c.2161C>G, p.Pro721Ala (NM_001559.3); short protein forms P635A, P721A.
Identifiers: ClinVar variation 4797966 (VCV004797966.1).
Genomic context (GRCh38, chr1:67,395,661, plus strand): 5'-GATCCTGAACCGCTGGTCATCAGTGAAGTCCTTCATCAAGTGACCCCAGTTTTCAGACAT[C>G]CCCCCTGCTCCAACTGGCCACAAAGGGAAAAAGGAATCCAAGGTCATCAGGCCTCTGAGA-3'
Protein context (NP_001361188.1, residues 711-731): LHQVTPVFRH[Pro721Ala]PCSNWPQREK